The following is an entry in ClinVar:

NM_003737.4(DCHS1):c.6789G>C (p.Leu2263Phe)

Gene: DCHS1 (dachsous cadherin-related 1; minus strand). Cytogenetic location: 11p15.4.
Variant type: single nucleotide variant.
Coding change: c.6789G>C on transcript NM_003737.4 (MANE Select); coding-DNA position 6789, G replaced by C.
Protein change: p.Leu2263Phe; replaces leucine 2263 with phenylalanine.
Molecular consequence: missense variant.
Genome position (GRCh38, 1-based): chr11:6,625,670, C>G on the plus strand (G>C on the coding strand, the complement: DCHS1 is on the minus strand). VCF-style: chr11-6625670-C-G. GRCh37 (hg19) VCF-style: chr11-6646901-C-G.
Other names: short protein forms L2263F.
Identifiers: ClinVar variation 1810695 (VCV001810695.2), dbSNP rs2493815618, ClinGen allele CA379484476.

ClinVar aggregate classification (germline): Uncertain significance (1 of 4 stars; one submission).

Submission:

GeneDx
Classification: Uncertain significance. Last evaluated: 2024-10-06. Review status: criteria provided, single submitter. Criteria: GeneDx Variant Classification Process June 2021. Collection method: clinical testing. Allele origin: germline.
Comment: Not observed at significant frequency in large population cohorts (gnomAD); In silico analysis supports that this missense variant has a deleterious effect on protein structure/function; Has not been previously published as pathogenic or benign to our knowledge